The following is an entry in ClinVar:

ClinVar aggregate classification (germline): Uncertain significance (1 of 4 stars; one submission).

Submission:

CeGaT Center for Human Genetics Tuebingen
Classification: Uncertain significance. Last evaluated: 2023-11-01. Review status: criteria provided, single submitter. Criteria: CeGaT Center For Human Genetics Tuebingen Variant Classification Criteria Version 2. Collection method: clinical testing. Allele origin: germline. Affected: yes. Observed: 1 variant allele.
Comment: AGA: PM2, PVS1:Moderate, PM3:Supporting

NM_000027.4(AGA):c.1017_1018del (p.Glu340fs)

Gene: AGA (aspartylglucosaminidase; minus strand). Cytogenetic location: 4q34.3.
Variant type: Deletion.
Coding change: c.1017_1018del on transcript NM_000027.4 (MANE Select); coding-DNA positions 1017 to 1018, 2 bases deleted (TG; older notation c.1017_1018delTG).
Protein change: p.Glu340fs; shifts the reading frame from glutamic acid 340.
Molecular consequence: frameshift variant. On other transcripts: non-coding transcript variant (1).
Genome position (GRCh38, 1-based): chr4:177,431,731-177,431,732, CA deleted on the plus strand (TG on the coding strand, the reverse complement: AGA is on the minus strand). VCF-style (leftmost placement, unchanged base first): chr4-177431730-TCA-T. GRCh37 (hg19) VCF-style: chr4-178352884-TCA-T.
Other names: c.987_988del, p.Glu330fs (NM_001171988.2); short protein forms E330fs, E340fs.
Identifiers: ClinVar variation 2673000 (VCV002673000.23), dbSNP rs2476841031, ClinGen allele CA2695197971.